The following is an entry in ClinVar:

ClinVar aggregate classification (germline): Uncertain significance (1 of 4 stars; one submission).

Submission:

Greenwood Genetic Center Diagnostic Laboratories, Greenwood Genetic Center
Classification: Uncertain significance. Last evaluated: 2024-08-15. Review status: criteria provided, single submitter. Criteria: ACMG Guidelines, 2015. Collection method: clinical testing. Allele origin: germline. Affected: yes.
Comment: PM2, BP4

NM_152743.4(BRAT1):c.2003C>A (p.Pro668Gln)

Gene: BRAT1 (BRCA1 associated ATM activator 1; minus strand). Cytogenetic location: 7p22.3.
Variant type: single nucleotide variant.
Coding change: c.2003C>A on transcript NM_152743.4 (MANE Select); coding-DNA position 2003, C replaced by A.
Protein change: p.Pro668Gln; replaces proline 668 with glutamine.
Molecular consequence: missense variant. On other transcripts: non-coding transcript variant (1).
Genome position (GRCh38, 1-based): chr7:2,538,532, G>T on the plus strand (C>A on the coding strand, the complement: BRAT1 is on the minus strand). VCF-style: chr7-2538532-G-T. GRCh37 (hg19) VCF-style: chr7-2578166-G-T.
Other names: c.2183C>A, p.Pro728Gln (NM_001350626.2); c.1478C>A, p.Pro493Gln (NM_001350627.2); short protein forms P493Q, P668Q, P728Q.
Identifiers: ClinVar variation 3765582 (VCV003765582.1).